The following is an entry in ClinVar:

ClinVar aggregate classification (germline): Likely benign. Review status: criteria provided, multiple submitters, no conflicts (2 of 4 stars). 3 submissions from 3 submitters: Likely benign (2). 1 of the submissions does not count toward it. Last evaluated 2024-10-05.

Conditions:
PCNT-related disorder. Also called: PCNT-related condition.

Allele frequency attached by ClinVar (database versions not stated): ESP Exome Variant Server 0.00008; ExAC 0.00002; gnomAD 0.00003; TOPMed 0.00003; gnomAD exomes 0.00004.
gnomAD v4.1: 67 of 1,612,770 alleles (0.0042%); highest among the groups gnomAD compares: Non-Finnish European, 0.0055%; no homozygotes.

Submissions (3):

Labcorp Genetics (formerly Invitae), Labcorp
Classification: Likely benign. Last evaluated: 2024-10-05. Review status: criteria provided, single submitter. Criteria: Invitae Variant Classification Sherloc (09022015). Collection method: clinical testing. Allele origin: germline.

GeneDx
Classification: Likely benign. Last evaluated: 2017-03-24. Review status: criteria provided, single submitter. Criteria: GeneDx Variant Classification (06012015). Collection method: clinical testing. Allele origin: germline. Affected: yes.
Comment: This variant is considered likely benign or benign based on one or more of the following criteria: it is a conservative change, it occurs at a poorly conserved position in the protein, it is predicted to be benign by multiple in silico algorithms, and/or has population frequency not consistent with disease.

PreventionGenetics, part of Exact Sciences
Classification: Likely benign for PCNT-related condition. Last evaluated: 2021-06-24. Review status: no assertion criteria provided. Collection method: clinical testing. Allele origin: germline. Not counted in ClinVar's aggregate classification.
Comment: This variant is classified as likely benign based on ACMG/AMP sequence variant interpretation guidelines (Richards et al. 2015 PMID: 25741868, with internal and published modifications).

NM_006031.6(PCNT):c.363A>C (p.Thr121=)

Gene: PCNT (pericentrin; plus strand). Cytogenetic location: 21q22.3.
Variant type: single nucleotide variant.
Coding change: c.363A>C on transcript NM_006031.6 (MANE Select); coding-DNA position 363, A replaced by C.
Protein change: p.Thr121=; no amino-acid change (threonine 121 retained).
Molecular consequence: synonymous variant.
Genome position (GRCh38, 1-based): chr21:46,334,492, A>C. VCF-style: chr21-46334492-A-C. GRCh37 (hg19) VCF-style: chr21-47754406-A-C.
Other names: c.9A>C, p.Thr3= (NM_001315529.2).
Identifiers: ClinVar variation 508288 (VCV000508288.7), dbSNP rs150766997, ClinGen allele CA10078233.